The following is an entry in ClinVar:

NM_001134407.3(GRIN2A):c.1643C>T (p.Ala548Val)

Gene: GRIN2A (glutamate ionotropic receptor NMDA type subunit 2A; minus strand). Cytogenetic location: 16p13.2.
Variant type: single nucleotide variant.
Coding change: c.1643C>T on transcript NM_001134407.3 (MANE Select); coding-DNA position 1643, C replaced by T.
Protein change: p.Ala548Val; replaces alanine 548 with valine.
Molecular consequence: missense variant.
Genome position (GRCh38, 1-based): chr16:9,840,655, G>A on the plus strand (C>T on the coding strand, the complement: GRIN2A is on the minus strand). VCF-style: chr16-9840655-G-A. GRCh37 (hg19) VCF-style: chr16-9934512-G-A.
Other names: c.1643C>T, p.Ala548Val (NM_000833.5, NM_001134408.2); short protein forms A548V.
Identifiers: ClinVar variation 3236795 (VCV003236795.1), dbSNP rs2042657887.

ClinVar aggregate classification (germline): Uncertain significance (1 of 4 stars; one submission).

Conditions:
Landau-Kleffner syndrome (FESD). Also called: EPILEPSY, FOCAL, WITH SPEECH DISORDER AND WITH OR WITHOUT MENTAL RETARDATION; APHASIA, ACQUIRED, WITH EPILEPSY. Identifiers: Orphanet 1945, Orphanet 725, Orphanet 98818, MedGen C0282512, MONDO:0009509, OMIM 245570.

Submission:

MVZ Medizinische Genetik Mainz
Classification: Uncertain significance for Landau-Kleffner syndrome. Last evaluated: 2024-01-16. Review status: criteria provided, single submitter. Criteria: UK Practice Guidelines For Variant Classification V4 01 2020. Collection method: clinical testing. Allele origin: germline. Inheritance: Autosomal dominant inheritance. Affected: yes. Observed: 1 variant allele.
Comment: ACMG Criteria: PM5,PM2_SUP,PP2